The following is an entry in ClinVar:

NM_001048174.2(MUTYH):c.404C>T (p.Ala135Val)

Gene: MUTYH (mutY DNA glycosylase; minus strand). Cytogenetic location: 1p34.1.
Variant type: single nucleotide variant.
Coding change: c.404C>T on transcript NM_001048174.2 (MANE Select); coding-DNA position 404, C replaced by T.
Protein change: p.Ala135Val; replaces alanine 135 with valine.
Molecular consequence: missense variant. On other transcripts: non-coding transcript variant (2).
Genome position (GRCh38, 1-based): chr1:45,332,934, G>A on the plus strand (C>T on the coding strand, the complement: MUTYH is on the minus strand). VCF-style: chr1-45332934-G-A. GRCh37 (hg19) VCF-style: chr1-45798606-G-A.
Other names: c.404C>T, p.Ala135Val (NM_001048171.2, NM_001048173.2, NM_001293195.2); c.407C>T, p.Ala136Val (NM_001048172.2); c.488C>T, p.Ala163Val (NM_001128425.2); c.449C>T, p.Ala150Val (NM_001293190.2); c.437C>T, p.Ala146Val (NM_001293191.2); c.128C>T, p.Ala43Val (NM_001293192.2, NM_001293196.2); c.59C>T, p.Ala20Val (NM_001350650.2, NM_001350651.2); c.479C>T, p.Ala160Val (NM_012222.3); short protein forms A135V, A136V, A150V, A20V, A146V, A160V, A163V, A43V.
Identifiers: ClinVar variation 1504351 (VCV001504351.8), dbSNP rs1570427705, ClinGen allele CA340135949.

ClinVar aggregate classification (germline): Uncertain significance. Review status: criteria provided, multiple submitters, no conflicts (2 of 4 stars). 2 submissions from 2 submitters: Uncertain significance (2). Last evaluated 2021-09-10.

Conditions:
Hereditary cancer-predisposing syndrome. Also called: Tumor predisposition; Neoplastic Syndromes, Hereditary; Hereditary Cancer Syndrome; Hereditary neoplastic syndrome. Identifiers: Orphanet 140162, MedGen C0027672, MeSH D009386, MONDO:0015356.
Familial adenomatous polyposis 2. Also called: MYH-associated polyposis; Adenomas, multiple colorectal; COLORECTAL ADENOMATOUS POLYPOSIS, AUTOSOMAL RECESSIVE; ADENOMAS, MULTIPLE COLORECTAL, AUTOSOMAL RECESSIVE; FAP type 2; MUTYH Polyposis. Identifiers: Orphanet 220460, Orphanet 247798, MedGen C3272841, MONDO:0012041, OMIM 608456.

Submissions (2):

Labcorp Genetics (formerly Invitae), Labcorp
Classification: Uncertain significance for Familial adenomatous polyposis 2. Last evaluated: 2021-09-10. Review status: criteria provided, single submitter. Criteria: Invitae Variant Classification Sherloc (09022015). Collection method: clinical testing. Allele origin: germline.
Comment: This variant is not present in population databases (ExAC no frequency). In summary, the available evidence is currently insufficient to determine the role of this variant in disease. Therefore, it has been classified as a Variant of Uncertain Significance. Algorithms developed to predict the effect of sequence changes on RNA splicing suggest that this variant may create or strengthen a splice site. Algorithms developed to predict the effect of missense changes on protein structure and function (SIFT, PolyPhen-2, Align-GVGD) all suggest that this variant is likely to be disruptive. This variant has not been reported in the literature in individuals affected with MUTYH-related conditions. This sequence change replaces alanine with valine at codon 163 of the MUTYH protein (p.Ala163Val). The alanine residue is highly conserved and there is a small physicochemical difference between alanine and valine.

Ambry Genetics
Classification: Uncertain significance for Hereditary cancer-predisposing syndrome. Last evaluated: 2020-07-20. Review status: criteria provided, single submitter. Criteria: Ambry Variant Classification Scheme 2023. Collection method: clinical testing. Allele origin: germline.
Comment: The p.A163V variant (also known as c.488C>T), located in coding exon 6 of the MUTYH gene, results from a C to T substitution at nucleotide position 488. The alanine at codon 163 is replaced by valine, an amino acid with similar properties. This amino acid position is highly conserved in available vertebrate species. In addition, the in silico prediction for this alteration is inconclusive. Since supporting evidence is limited at this time, the clinical significance of this alteration remains unclear.